The following is an entry in ClinVar:

NM_177400.3(NKX6-2):c.450C>G (p.His150Gln)

Gene: NKX6-2 (NK6 homeobox 2; minus strand). Cytogenetic location: 10q26.3.
Variant type: single nucleotide variant.
Coding change: c.450C>G on transcript NM_177400.3 (MANE Select); coding-DNA position 450, C replaced by G.
Protein change: p.His150Gln; replaces histidine 150 with glutamine.
Molecular consequence: missense variant.
Genome position (GRCh38, 1-based): chr10:132,785,409, G>C on the plus strand (C>G on the coding strand, the complement: NKX6-2 is on the minus strand). VCF-style: chr10-132785409-G-C. GRCh37 (hg19) VCF-style: chr10-134598913-G-C.
Other names: short protein forms H150Q.
Identifiers: ClinVar variation 1031744 (VCV001031744.1), dbSNP rs958289238, ClinGen allele CA216760207.
Genomic context (GRCh38, chr10:132,785,409, plus strand): 5'-GGTCTGCTCGAAGGTTTTCTCCAGCGCGAAGATCTGCTGGCCCGAGAAGGTCGGGCGCGA[G>C]TGCTTCTTCTTCCCGTCCTTGTCCAGGACGCCGCCGGCCGGGGCTGCAAGGGAGGGGAAG-3'
Protein context (NP_796374.2, residues 140-160): GVLDKDGKKK[His150Gln]SRPTFSGQQI

ClinVar aggregate classification (germline): Uncertain significance (1 of 4 stars; one submission).

Conditions:
Spastic ataxia 8, autosomal recessive, with hypomyelinating leukodystrophy (SPAX8). Identifiers: Orphanet 527497, MedGen C4479653, MONDO:0033043, OMIM 617560.

Allele frequency attached by ClinVar (database versions not stated): TOPMed 0.00001 and below 0.00001.

Submission:

Baylor Genetics
Classification: Uncertain significance for Spastic ataxia 8, autosomal recessive, with hypomyelinating leukodystrophy. Last evaluated: 2018-01-24. Review status: criteria provided, single submitter. Criteria: ACMG Guidelines, 2015. Collection method: clinical testing. Allele origin: paternal. Affected: yes.
Comment: This variant was determined to be of uncertain significance according to ACMG Guidelines, 2015 [PMID:25741868].